The following is an entry in ClinVar:

NM_001130144.3(LTBP3):c.502G>T (p.Ala168Ser)

Gene: LTBP3 (latent transforming growth factor beta binding protein 3; minus strand). Cytogenetic location: 11q13.1.
Variant type: single nucleotide variant.
Coding change: c.502G>T on transcript NM_001130144.3 (MANE Select); coding-DNA position 502, G replaced by T.
Protein change: p.Ala168Ser; replaces alanine 168 with serine.
Molecular consequence: missense variant.
Genome position (GRCh38, 1-based): chr11:65,554,210, C>A on the plus strand (G>T on the coding strand, the complement: LTBP3 is on the minus strand). VCF-style: chr11-65554210-C-A. GRCh37 (hg19) VCF-style: chr11-65321681-C-A.
Other names: c.151G>T, p.Ala51Ser (NM_001164266.1); c.502G>T, p.Ala168Ser (NM_021070.4); short protein forms A168S, A51S.
Identifiers: ClinVar variation 1439842 (VCV001439842.11), dbSNP rs1856724698, ClinGen allele CA381276499.

ClinVar aggregate classification (germline): Uncertain significance. Review status: criteria provided, multiple submitters, no conflicts (2 of 4 stars). 2 submissions from 2 submitters: Uncertain significance (2). Last evaluated 2024-10-14.

Conditions:
Brachyolmia-amelogenesis imperfecta syndrome. Also called: Tooth agenesis, selective, 6; Dental anomalies and short stature; PLATYSPONDYLY WITH AMELOGENESIS IMPERFECTA. Identifiers: Orphanet 2899, MedGen C1832594, MONDO:0011018, OMIM 601216. Disease mechanism: loss of function.
Inborn genetic diseases. Identifiers: MedGen C0950123, MeSH D030342.

Allele frequency attached by ClinVar (database versions not stated): TOPMed below 0.00001; gnomAD 0.00001.
gnomAD v4.1: 1 of 1,610,666 alleles (0.000062%); highest among the groups gnomAD compares: Middle Eastern, 0.017%; no homozygotes.

Submissions (2):

Ambry Genetics
Classification: Uncertain significance for Inborn genetic diseases. Last evaluated: 2024-10-14. Review status: criteria provided, single submitter. Criteria: Ambry Variant Classification Scheme 2023. Collection method: clinical testing. Allele origin: germline.
Comment: The p.A168S variant (also known as c.502G>T), located in coding exon 2 of the LTBP3 gene, results from a G to T substitution at nucleotide position 502. The alanine at codon 168 is replaced by serine, an amino acid with similar properties. This amino acid position is conserved. In addition, this alteration is predicted to be tolerated by in silico analysis. Since supporting evidence is limited at this time, the clinical significance of this alteration remains unclear.

Labcorp Genetics (formerly Invitae), Labcorp
Classification: Uncertain significance for Brachyolmia-amelogenesis imperfecta syndrome. Last evaluated: 2021-08-15. Review status: criteria provided, single submitter. Criteria: Invitae Variant Classification Sherloc (09022015). Collection method: clinical testing. Allele origin: germline.
Comment: This sequence change replaces alanine with serine at codon 168 of the LTBP3 protein (p.Ala168Ser). The alanine residue is weakly conserved and there is a moderate physicochemical difference between alanine and serine. This variant is not present in population databases (ExAC no frequency). This variant has not been reported in the literature in individuals affected with LTBP3-related conditions. Algorithms developed to predict the effect of missense changes on protein structure and function (SIFT, PolyPhen-2, Align-GVGD) all suggest that this variant is likely to be tolerated. In summary, the available evidence is currently insufficient to determine the role of this variant in disease. Therefore, it has been classified as a Variant of Uncertain Significance.